The following is an entry in ClinVar:

NM_020461.4(TUBGCP6):c.1249C>A (p.Pro417Thr)

Gene: TUBGCP6 (tubulin gamma complex component 6; minus strand). Cytogenetic location: 22q13.33.
Variant type: single nucleotide variant.
Coding change: c.1249C>A on transcript NM_020461.4 (MANE Select); coding-DNA position 1249, C replaced by A.
Protein change: p.Pro417Thr; replaces proline 417 with threonine.
Molecular consequence: missense variant.
Genome position (GRCh38, 1-based): chr22:50,229,445, G>T on the plus strand (C>A on the coding strand, the complement: TUBGCP6 is on the minus strand). VCF-style: chr22-50229445-G-T. GRCh37 (hg19) VCF-style: chr22-50667874-G-T.
Other names: c.1249C>A (NM_020461.3); short protein forms P417T.
Identifiers: ClinVar variation 1023931 (VCV001023931.7), dbSNP rs749133840, ClinGen allele CA325469598.
Genomic context (GRCh38, chr22:50,229,445, plus strand): 5'-CATGAGGCAAAGGCCATACCTGGAACACGAGGCCCTTGCTGTACAAAGAGTCCAGGACGG[G>T]CTGCAGAGAGAAATGACTCAGGCGCGTGTAGCAGGTCCCATACTCGGCCACTTCCGAGAG-3'
Protein context (NP_065194.3, residues 407-427): YTRLSHFSLQ[Pro417Thr]VLDSLYSKGL

ClinVar aggregate classification (germline): Uncertain significance. Review status: criteria provided, multiple submitters, no conflicts (2 of 4 stars). 2 submissions from 2 submitters: Uncertain significance (2). Last evaluated 2023-01-25.

Conditions:
Inborn genetic diseases. Identifiers: MedGen C0950123, MeSH D030342.

Allele frequency attached by ClinVar (database versions not stated): gnomAD exomes 0.00001 and 0.00009; gnomAD 0.00003; TOPMed 0.00004.

Submissions (2):

Ambry Genetics
Classification: Uncertain significance for Inborn genetic diseases. Last evaluated: 2023-01-25. Review status: criteria provided, single submitter. Criteria: Ambry Variant Classification Scheme 2023. Collection method: clinical testing. Allele origin: germline.

Labcorp Genetics (formerly Invitae), Labcorp
Classification: Uncertain significance. Last evaluated: 2021-09-01. Review status: criteria provided, single submitter. Criteria: Invitae Variant Classification Sherloc (09022015). Collection method: clinical testing. Allele origin: germline.
Comment: This sequence change replaces proline with threonine at codon 417 of the TUBGCP6 protein (p.Pro417Thr). The proline residue is weakly conserved and there is a small physicochemical difference between proline and threonine. This variant is not present in population databases (ExAC no frequency). This variant has not been reported in the literature in individuals affected with TUBGCP6-related conditions. Algorithms developed to predict the effect of missense changes on protein structure and function are either unavailable or do not agree on the potential impact of this missense change (SIFT: "Tolerated"; PolyPhen-2: "Probably Damaging"; Align-GVGD: "Class C0"). In summary, the available evidence is currently insufficient to determine the role of this variant in disease. Therefore, it has been classified as a Variant of Uncertain Significance.